The following is an entry in ClinVar:

ClinVar aggregate classification (germline): Pathogenic (1 of 4 stars; one submission).

Conditions:
Sterile multifocal osteomyelitis with periostitis and pustulosis. Also called: CHRONIC RECURRENT MULTIFOCAL OSTEOMYELITIS 2, WITH PERIOSTITIS AND PUSTULOSIS. Identifiers: Orphanet 210115, MedGen C2748507, MONDO:0013021, OMIM 612852.

Submission:

Labcorp Genetics (formerly Invitae), Labcorp
Classification: Pathogenic for Sterile multifocal osteomyelitis with periostitis and pustulosis. Last evaluated: 2024-12-18. Review status: criteria provided, single submitter. Criteria: Invitae Variant Classification Sherloc (09022015). Collection method: clinical testing. Allele origin: germline.
Comment: This sequence change creates a premature translational stop signal (p.Glu9*) in the IL1RN gene. It is expected to result in an absent or disrupted protein product. Loss-of-function variants in IL1RN are known to be pathogenic (PMID: 19494218, 21792839, 22940634, 26100510). This variant is not present in population databases (gnomAD no frequency). This variant has not been reported in the literature in individuals affected with IL1RN-related conditions. ClinVar contains an entry for this variant (Variation ID: 2821013). Algorithms developed to predict the effect of sequence changes on RNA splicing suggest that this variant may disrupt the consensus splice site. For these reasons, this variant has been classified as Pathogenic.

Literature cited by the submitters: PubMed 19494218; PubMed 21792839; PubMed 22940634; PubMed 26100510.

NM_173841.3(IL1RN):c.25G>T (p.Glu9Ter)

Gene: IL1RN (interleukin 1 receptor antagonist; plus strand). Cytogenetic location: 2q14.1.
Variant type: single nucleotide variant.
Coding change: c.25G>T on transcript NM_173841.3; coding-DNA position 25, G replaced by T.
Protein change: p.Glu9Ter; replaces glutamic acid 9 with a stop codon.
Molecular consequence: nonsense. On other transcripts: intron variant (2), 5 prime UTR variant (1).
Genome position (GRCh38, 1-based): chr2:113,120,080, G>T. VCF-style: chr2-113120080-G-T. GRCh37 (hg19) VCF-style: chr2-113877657-G-T.
Other names: c.-209-1368G>T (NM_173843.3); c.10+2052G>T (NM_000577.5); c.-258G>T (NM_001318914.2); short protein forms E9*.
Identifiers: ClinVar variation 2821013 (VCV002821013.3), dbSNP rs2466916551, ClinGen allele CA348292601.